The following is an entry in ClinVar:

NM_001110556.2(FLNA):c.3119C>T (p.Pro1040Leu)

Gene: FLNA (filamin A; minus strand). Cytogenetic location: Xq28.
Variant type: single nucleotide variant.
Coding change: c.3119C>T on transcript NM_001110556.2 (MANE Select); coding-DNA position 3119, C replaced by T.
Protein change: p.Pro1040Leu; replaces proline 1040 with leucine.
Molecular consequence: missense variant.
Genome position (GRCh38, 1-based): chrX:154,361,396, G>A on the plus strand (C>T on the coding strand, the complement: FLNA is on the minus strand). VCF-style: chrX-154361396-G-A. GRCh37 (hg19) VCF-style: chrX-153589764-G-A.
Other names: c.3119C>T, p.Pro1040Leu (NM_001456.4); short protein forms P1040L.
Identifiers: ClinVar variation 3753998 (VCV003753998.2).
Genomic context (GRCh38, chrX:154,361,396, plus strand): 5'-TCCAGAGGAAAGGGGCTGCCAGGCACGGGCACGCCGTCATAGGTCACCTCCACCTCATAG[G>A]GCCCTTCCTCACGGGGCAGGAAGCGCACCACACTGTTGTCAGCCCCCAGGCCTGGCTCCA-3'
Protein context (NP_001104026.1, residues 1030-1050): VVRFLPREEG[Pro1040Leu]YEVEVTYDGV

ClinVar aggregate classification (germline): Uncertain significance (1 of 4 stars; one submission).

Conditions:
Melnick-Needles syndrome (MNS). Also called: MELNICK-NEEDLES OSTEODYSPLASTY; OSTEODYSPLASTY OF MELNICK AND NEEDLES; Melnick-Needles Syndrome (FLNA-MNS). Identifiers: Orphanet 2484, MedGen C0025237, MONDO:0010650, OMIM 309350.
Frontometaphyseal dysplasia (FMD1). Identifiers: Orphanet 1826, MedGen C0265293, MONDO:0015942.
Heterotopia, periventricular, X-linked dominant (PVNH1). Also called: PERIVENTRICULAR NODULAR HETEROTOPIA 1; X-linked periventricular heterotopia; PERIVENTRICULAR NODULAR HETEROTOPIA 4; HETEROTOPIA, PERIVENTRICULAR, 1. Identifiers: Orphanet 2149, Orphanet 82004, MedGen C1848213, MONDO:0010233, OMIM 300049.
Oto-palato-digital syndrome, type II (OPD2). Also called: FACIOPALATOOSSEOUS SYNDROME; OPD II SYNDROME; Otopalatodigital Syndrome, Type II; Otopalatodigital Syndrome Type 2 (FLNA-OPD2). Identifiers: Orphanet 669, Orphanet 90652, MedGen C1844696, MONDO:0010571, OMIM 304120.

Submission:

Labcorp Genetics (formerly Invitae), Labcorp
Classification: Uncertain significance for Oto-palato-digital syndrome, type II; Heterotopia, periventricular, X-linked dominant; Frontometaphyseal dysplasia; Melnick-Needles syndrome. Last evaluated: 2024-08-31. Review status: criteria provided, single submitter. Criteria: Invitae Variant Classification Sherloc (09022015). Collection method: clinical testing. Allele origin: germline.
Comment: This sequence change replaces proline, which is neutral and non-polar, with leucine, which is neutral and non-polar, at codon 1040 of the FLNA protein (p.Pro1040Leu). This variant is not present in population databases (gnomAD no frequency). This variant has not been reported in the literature in individuals affected with FLNA-related conditions. Invitae Evidence Modeling of protein sequence and biophysical properties (such as structural, functional, and spatial information, amino acid conservation, physicochemical variation, residue mobility, and thermodynamic stability) indicates that this missense variant is not expected to disrupt FLNA protein function with a negative predictive value of 95%. In summary, the available evidence is currently insufficient to determine the role of this variant in disease. Therefore, it has been classified as a Variant of Uncertain Significance.